The following is an entry in ClinVar:

ClinVar aggregate classification (germline): Pathogenic. Review status: reviewed by expert panel (3 of 4 stars). 2 submissions from 2 submitters: Pathogenic (1). 1 of the submissions does not count toward it. Last evaluated 2016-09-08.

Conditions:
Hereditary breast ovarian cancer syndrome. Also called: Hereditary breast and ovarian cancer syndrome; Hereditary breast and ovarian cancer syndrome (HBOC); BRCA1- and BRCA2-Associated Hereditary Breast and Ovarian Cancer; Breast and ovarian cancer; Hereditary breast and ovarian cancer; Hereditary breast and/or ovarian cancer syndrome. Identifiers: Orphanet 145, MedGen C0677776, MeSH D061325, MONDO:0003582. Disease mechanism: loss of function.
Breast-ovarian cancer, familial, susceptibility to, 1 (BROVCA1). Also called: OVARIAN CANCER, SUSCEPTIBILITY TO; BRCA1 Hereditary Breast and Ovarian Cancer. Identifiers: Orphanet 145, MedGen C2676676, MONDO:0011450, OMIM 604370. Disease mechanism: loss of function.

Submissions (2):

Evidence-based Network for the Interpretation of Germline Mutant Alleles (ENIGMA)
Classification: Pathogenic for Breast-ovarian cancer, familial, susceptibility to, 1. Last evaluated: 2016-09-08. Review status: reviewed by expert panel. Criteria: ENIGMA BRCA1/2 Classification Criteria (2015). Collection method: curation. Allele origin: germline.
Comment: Variant allele predicted to encode a truncated non-functional protein.

Labcorp Genetics (formerly Invitae), Labcorp
Classification: Pathogenic for Hereditary breast ovarian cancer syndrome. Last evaluated: 2023-06-27. Review status: criteria provided, single submitter. Criteria: Invitae Variant Classification Sherloc (09022015). Collection method: clinical testing. Allele origin: germline. Not counted in ClinVar's aggregate classification.
Comment: This variant has not been reported in the literature in individuals affected with BRCA1-related conditions. For these reasons, this variant has been classified as Pathogenic. ClinVar contains an entry for this variant (Variation ID: 188405). This variant is not present in population databases (gnomAD no frequency). This sequence change creates a premature translational stop signal (p.Asp295Glufs*8) in the BRCA1 gene. It is expected to result in an absent or disrupted protein product. Loss-of-function variants in BRCA1 are known to be pathogenic (PMID: 20104584).

Literature cited by the submitters: PubMed 20104584 (cited by Labcorp Genetics (formerly Invitae), Labcorp).

NM_007294.4(BRCA1):c.885_886del (p.Asp295fs)

Gene: BRCA1 (BRCA1 DNA repair associated; minus strand). Cytogenetic location: 17q21.31.
Variant type: Deletion.
Coding change: c.885_886del on transcript NM_007294.4 (MANE Select); coding-DNA positions 885 to 886, 2 bases deleted (CA; older notation c.885_886delCA).
Protein change: p.Asp295fs; shifts the reading frame from aspartic acid 295.
Molecular consequence: frameshift variant. On other transcripts: 5 prime UTR variant (2), intron variant (137).
Genome position (GRCh38, 1-based): chr17:43,094,645-43,094,646, TG deleted on the plus strand (CA on the coding strand, the reverse complement: BRCA1 is on the minus strand); deleting any 2 consecutive bases within chr17:43,094,645-43,094,647 gives the same sequence; the c. name uses the placement nearest the transcript's 3' end. VCF-style (leftmost placement, unchanged base first): chr17-43094644-CTG-C. GRCh37 (hg19) VCF-style: chr17-41246661-CTG-C.
Other names: c.885_886delCA (NM_007294.3); c.882_883del, p.Asp294fs (NM_001407590.1, NM_001407591.1, NM_001407635.1 and 22 more transcripts); c.885_886del, p.Asp295fs (NM_001407593.1, NM_001407594.1, NM_001407596.1 and 30 more transcripts); c.807_808del, p.Asp269fs (NM_001407656.1, NM_001407657.1, NM_001407658.1 and 4 more transcripts); c.804_805del, p.Asp268fs (NM_001407659.1, NM_001407660.1, NM_001407661.1 and 1 more transcripts); c.762_763del, p.Asp254fs (NM_001407664.1, NM_001407665.1, NM_001407674.1 and 19 more transcripts); c.744_745del, p.Asp248fs (NM_001407692.1, NM_001407694.1, NM_001407695.1 and 29 more transcripts); c.741_742del, p.Asp247fs (NM_001407740.1, NM_001407741.1, NM_001407742.1 and 20 more transcripts); and 41 more; short protein forms D295fs, D248fs, D127fs, D183fs, D207fs, D224fs, D228fs, D253fs.
Identifiers: ClinVar variation 188405 (VCV000188405.6), dbSNP rs786204261, ClinGen allele CA003946.